The following is an entry in ClinVar:

NM_018979.4(WNK1):c.7138C>T (p.Arg2380Trp)

Gene: WNK1 (WNK lysine deficient protein kinase 1; plus strand). Cytogenetic location: 12p13.33.
Variant type: single nucleotide variant.
Coding change: c.7138C>T on transcript NM_018979.4 (MANE Select); coding-DNA position 7138, C replaced by T.
Protein change: p.Arg2380Trp; replaces arginine 2380 with tryptophan.
Molecular consequence: missense variant.
Genome position (GRCh38, 1-based): chr12:908,781, C>T. VCF-style: chr12-908781-C-T. GRCh37 (hg19) VCF-style: chr12-1017947-C-T.
Other names: c.7918C>T, p.Arg2640Trp (NM_001184985.2); c.6394C>T, p.Arg2132Trp (NM_014823.3); c.7894C>T, p.Arg2632Trp (NM_213655.5); short protein forms R2380W, R2632W, R2132W, R2640W.
Identifiers: ClinVar variation 538510 (VCV000538510.14), dbSNP rs56262445, ClinGen allele CA6383568.

ClinVar aggregate classification (germline): Conflicting classifications of pathogenicity. Review status: criteria provided, conflicting classifications (1 of 4 stars). 4 submissions from 4 submitters: Uncertain significance (3); Likely benign (1). Last evaluated 2025-01-23.

Conditions:
Neuropathy, hereditary sensory and autonomic, type 2A (HSAN2A). Also called: HSAN IIA; WNK1-Related HSAN2 (HSAN2A); MORVAN DISEASE; NEUROPATHY, CONGENITAL SENSORY; NEUROPATHY, HEREDITARY SENSORY RADICULAR, AUTOSOMAL RECESSIVE; NEUROPATHY, HEREDITARY SENSORY, TYPE IIA. Identifiers: Orphanet 970, MedGen C2752089, MONDO:0024309, OMIM 201300.
Pseudohypoaldosteronism type 2C (PHA2C). Also called: Pseudohypoaldosteronism Type IIC. Identifiers: Orphanet 757, Orphanet 88940, MedGen C1840391, MONDO:0013778, OMIM 614492.
Inborn genetic diseases. Identifiers: MedGen C0950123, MeSH D030342.

Allele frequency attached by ClinVar (database versions not stated): gnomAD 0.00005 and 0.00010; TOPMed 0.00005; gnomAD exomes 0.00013; ExAC 0.00014; 1000 Genomes Project 30x 0.00016; 1000 Genomes Project 0.00020.
gnomAD v4.1: 151 of 1,576,596 alleles (0.0096%); highest among the groups gnomAD compares: South Asian, 0.083%; 3 homozygotes.

Submissions (4):

Labcorp Genetics (formerly Invitae), Labcorp
Classification: Likely benign for Neuropathy, hereditary sensory and autonomic, type 2A; Pseudohypoaldosteronism type 2C. Last evaluated: 2025-01-23. Review status: criteria provided, single submitter. Criteria: Invitae Variant Classification Sherloc (09022015). Collection method: clinical testing. Allele origin: germline.

Fulgent Genetics
Classification: Uncertain significance for Neuropathy, hereditary sensory and autonomic, type 2A; Pseudohypoaldosteronism type 2C. Last evaluated: 2024-06-13. Review status: criteria provided, single submitter. Criteria: ACMG Guidelines, 2015. Collection method: clinical testing. Allele origin: germline.

Women's Health and Genetics/Laboratory Corporation of America, LabCorp
Classification: Uncertain significance. Last evaluated: 2024-02-09. Review status: criteria provided, single submitter. Criteria: LabCorp Variant Classification Summary - May 2015. Collection method: clinical testing. Allele origin: germline.
Comment: Variant summary: WNK1 c.7138C>T (p.Arg2380Trp) results in a non-conservative amino acid change in the encoded protein sequence. Five of five in-silico tools predict a damaging effect of the variant on protein function. The variant allele was found at a frequency of 0.00013 in 251186 control chromosomes (gnomAD). To our knowledge, no occurrence of c.7138C>T in individuals affected with Neuropathy, Hereditary Sensory And Autonomic, Type 2A and no experimental evidence demonstrating its impact on protein function have been reported. ClinVar contains an entry for this variant (Variation ID: 538510). Based on the evidence outlined above, the variant was classified as uncertain significance.

Ambry Genetics
Classification: Uncertain significance for Inborn genetic diseases. Last evaluated: 2021-12-29. Review status: criteria provided, single submitter. Criteria: Ambry Variant Classification Scheme 2023. Collection method: clinical testing. Allele origin: germline.
Comment: The p.R2632W variant (also known as c.7894C>T), located in coding exon 28 of the WNK1 gene, results from a C to T substitution at nucleotide position 7894. The arginine at codon 2632 is replaced by tryptophan, an amino acid with dissimilar properties. This amino acid position is highly conserved in available vertebrate species. In addition, this alteration is predicted to be deleterious by in silico analysis. Since supporting evidence is limited at this time, the clinical significance of this alteration remains unclear.